The following is an entry in ClinVar:

ClinVar aggregate classification (germline): Uncertain significance (1 of 4 stars; one submission).

Conditions:
Familial cancer of breast. Also called: BREAST CANCER, FAMILIAL; Hereditary breast cancer; hereditary breast carcinoma. Identifiers: Orphanet 227535, MedGen C0346153, MONDO:0016419, OMIM 114480. Disease mechanism: loss of function.

Submission:

Labcorp Genetics (formerly Invitae), Labcorp
Classification: Uncertain significance for Familial cancer of breast. Last evaluated: 2022-10-05. Review status: criteria provided, single submitter. Criteria: Invitae Variant Classification Sherloc (09022015). Collection method: clinical testing. Allele origin: germline.
Comment: In summary, the available evidence is currently insufficient to determine the role of this variant in disease. Therefore, it has been classified as a Variant of Uncertain Significance. Algorithms developed to predict the effect of missense changes on protein structure and function output the following: SIFT: "Tolerated"; PolyPhen-2: "Benign"; Align-GVGD: "Class C0". The serine amino acid residue is found in multiple mammalian species, which suggests that this missense change does not adversely affect protein function. This variant has not been reported in the literature in individuals affected with CHEK2-related conditions. This variant is not present in population databases (gnomAD no frequency). This sequence change replaces arginine, which is basic and polar, with serine, which is neutral and polar, at codon 195 of the CHEK2 protein (p.Arg195Ser).

NM_007194.4(CHEK2):c.585A>T (p.Arg195Ser)

Gene: CHEK2 (checkpoint kinase 2; minus strand). Cytogenetic location: 22q12.1.
Variant type: single nucleotide variant.
Coding change: c.585A>T on transcript NM_007194.4 (MANE Select); coding-DNA position 585, A replaced by T.
Protein change: p.Arg195Ser; replaces arginine 195 with serine.
Molecular consequence: missense variant. On other transcripts: 5 prime UTR variant (2), intron variant (1).
Genome position (GRCh38, 1-based): chr22:28,724,984, T>A on the plus strand (A>T on the coding strand, the complement: CHEK2 is on the minus strand). VCF-style: chr22-28724984-T-A. GRCh37 (hg19) VCF-style: chr22-29120972-T-A.
Other names: c.714A>T, p.Arg238Ser (NM_001005735.3, NM_001438294.1); c.-193A>T (NM_001257387.3); c.-79A>T (NM_001437942.1); c.678A>T, p.Arg226Ser (NM_001438293.1, NM_001438295.1); c.585A>T, p.Arg195Ser (NM_145862.3); c.445-61A>T (NM_001349956.3); short protein forms R195S, R238S, R226S.
Identifiers: ClinVar variation 2034125 (VCV002034125.4), dbSNP rs2146056523, ClinGen allele CA411106960.